The following is an entry in ClinVar:

NM_025132.4(WDR19):c.553C>G (p.Gln185Glu)

Gene: WDR19 (WD repeat domain 19; plus strand). Cytogenetic location: 4p14.
Variant type: single nucleotide variant.
Coding change: c.553C>G on transcript NM_025132.4 (MANE Select); coding-DNA position 553, C replaced by G.
Protein change: p.Gln185Glu; replaces glutamine 185 with glutamic acid.
Molecular consequence: missense variant.
Genome position (GRCh38, 1-based): chr4:39,203,672, C>G. VCF-style: chr4-39203672-C-G. GRCh37 (hg19) VCF-style: chr4-39205292-C-G.
Other names: c.553C>G (NM_025132.3); c.73C>G, p.Gln25Glu (NM_001317924.2); short protein forms Q185E, Q25E.
Identifiers: ClinVar variation 1285210 (VCV001285210.10), dbSNP rs769602871, ClinGen allele CA2891659.

ClinVar aggregate classification (germline): Uncertain significance. Review status: criteria provided, multiple submitters, no conflicts (2 of 4 stars). 5 submissions from 5 submitters: Uncertain significance (3). 2 of the submissions do not count toward it. Last evaluated 2025-12-03.

Conditions:
Asphyxiating thoracic dystrophy 5 (SRTD5). Also called: SHORT-RIB THORACIC DYSPLASIA 5 WITHOUT POLYDACTYLY; SHORT-RIB THORACIC DYSPLASIA 5 WITH OR WITHOUT POLYDACTYLY. Identifiers: Orphanet 474, MedGen C3280598, MONDO:0013717, OMIM 614376.
Senior-Loken syndrome 8 (SLSN8). Identifiers: Orphanet 3156, MedGen C4225376, MONDO:0014579, OMIM 616307.
Inborn genetic diseases. Identifiers: MedGen C0950123, MeSH D030342.

Allele frequency attached by ClinVar (database versions not stated): gnomAD exomes below 0.00001; ExAC 0.00001; TOPMed 0.00001.

Submissions (5):

Ambry Genetics
Classification: Uncertain significance for Inborn genetic diseases. Last evaluated: 2025-12-03. Review status: criteria provided, single submitter. Criteria: Ambry Variant Classification Scheme 2023. Collection method: clinical testing. Allele origin: germline.

Labcorp Genetics (formerly Invitae), Labcorp
Classification: Uncertain significance for Senior-Loken syndrome 8; Asphyxiating thoracic dystrophy 5. Last evaluated: 2023-12-07. Review status: criteria provided, single submitter. Criteria: Invitae Variant Classification Sherloc (09022015). Collection method: clinical testing. Allele origin: germline.
Comment: This sequence change replaces glutamine, which is neutral and polar, with glutamic acid, which is acidic and polar, at codon 185 of the WDR19 protein (p.Gln185Glu). This variant is present in population databases (rs769602871, gnomAD 0.0009%). This variant has not been reported in the literature in individuals affected with WDR19-related conditions. ClinVar contains an entry for this variant (Variation ID: 1285210). Advanced modeling of protein sequence and biophysical properties (such as structural, functional, and spatial information, amino acid conservation, physicochemical variation, residue mobility, and thermodynamic stability) performed at Invitae indicates that this missense variant is not expected to disrupt WDR19 protein function with a negative predictive value of 80%. In summary, the available evidence is currently insufficient to determine the role of this variant in disease. Therefore, it has been classified as a Variant of Uncertain Significance.

ARUP Laboratories, Molecular Genetics and Genomics, ARUP Laboratories
Classification: Uncertain significance. Last evaluated: 2022-12-22. Review status: criteria provided, single submitter. Criteria: ARUP Molecular Germline Variant Investigation Process 2024. Collection method: clinical testing. Allele origin: germline.
Comment: The WDR19 c.553C>G; p.Gln185Glu variant (rs769602871), to our knowledge, is not reported in the medical literature but is reported in ClinVar (Variation ID: 1285210). This variant is only observed on one allele in the Genome Aggregation Database, indicating it is not a common polymorphism. The glutamine at codon 185 is weakly conserved, and computational analyses predict that this variant is neutral (REVEL: 0.059). Due to limited information, the clinical significance of this variant is uncertain at this time.

Clinical Genetics DNA and cytogenetics Diagnostics Lab, Erasmus MC, Erasmus Medical Center
Classification: Likely benign. Review status: no assertion criteria provided. Collection method: clinical testing. Allele origin: germline. Affected: yes. Study: VKGL Data-share Consensus. Not counted in ClinVar's aggregate classification.

Genome Diagnostics Laboratory, University Medical Center Utrecht
Classification: Likely benign. Review status: no assertion criteria provided. Collection method: clinical testing. Allele origin: germline. Affected: yes. Study: VKGL Data-share Consensus. Not counted in ClinVar's aggregate classification.